The following continues an entry in ClinVar:

NM_001127198.5(TMC6):c.2021+11C>T

Gene: TMC6. ClinVar aggregate classification (germline): Benign/Likely benign. Benign (2); Likely benign (2).

Submissions 33 to 50 of 50:

Dr. Peter K. Rogan Lab, Western University
No classification provided (evidence only). Condition: Ovarian serous cystadenocarcinoma. Review status: no classification provided. Collection method: in vitro. Allele origin: not applicable. Functional consequence: retained intron. Not counted in ClinVar's aggregate classification.

Dr. Peter K. Rogan Lab, Western University
No classification provided (evidence only). Condition: Ovarian serous cystadenocarcinoma. Review status: no classification provided. Collection method: in vitro. Allele origin: not applicable. Functional consequence: retained intron. Not counted in ClinVar's aggregate classification.

Dr. Peter K. Rogan Lab, Western University
No classification provided (evidence only). Condition: Ovarian serous cystadenocarcinoma. Review status: no classification provided. Collection method: in vitro. Allele origin: not applicable. Functional consequence: retained intron. Not counted in ClinVar's aggregate classification.

Dr. Peter K. Rogan Lab, Western University
No classification provided (evidence only). Condition: Gastric cancer. Review status: no classification provided. Collection method: in vitro. Allele origin: not applicable. Functional consequence: retained intron. Not counted in ClinVar's aggregate classification.

Dr. Peter K. Rogan Lab, Western University
No classification provided (evidence only). Condition: Gastric cancer. Review status: no classification provided. Collection method: in vitro. Allele origin: not applicable. Functional consequence: retained intron. Not counted in ClinVar's aggregate classification.

Dr. Peter K. Rogan Lab, Western University
No classification provided (evidence only). Condition: Gastric cancer. Review status: no classification provided. Collection method: in vitro. Allele origin: not applicable. Functional consequence: retained intron. Not counted in ClinVar's aggregate classification.

Dr. Peter K. Rogan Lab, Western University
No classification provided (evidence only). Condition: Uterine carcinosarcoma. Review status: no classification provided. Collection method: in vitro. Allele origin: not applicable. Functional consequence: retained intron. Not counted in ClinVar's aggregate classification.

Dr. Peter K. Rogan Lab, Western University
No classification provided (evidence only). Condition: Uterine carcinosarcoma. Review status: no classification provided. Collection method: in vitro. Allele origin: not applicable. Functional consequence: cryptic splice site, retained intron. Not counted in ClinVar's aggregate classification.

Dr. Peter K. Rogan Lab, Western University
No classification provided (evidence only). Condition: Uveal melanoma. Review status: no classification provided. Collection method: in vitro. Allele origin: not applicable. Functional consequence: skipped exon. Not counted in ClinVar's aggregate classification.

Dr. Peter K. Rogan Lab, Western University
No classification provided (evidence only). Condition: Malignant tumor of esophagus. Review status: no classification provided. Collection method: in vitro. Allele origin: not applicable. Functional consequence: retained intron. Not counted in ClinVar's aggregate classification.

Dr. Peter K. Rogan Lab, Western University
No classification provided (evidence only). Condition: Malignant tumor of esophagus. Review status: no classification provided. Collection method: in vitro. Allele origin: not applicable. Functional consequence: retained intron. Not counted in ClinVar's aggregate classification.

Dr. Peter K. Rogan Lab, Western University
No classification provided (evidence only). Condition: Malignant tumor of esophagus. Review status: no classification provided. Collection method: in vitro. Allele origin: not applicable. Functional consequence: retained intron. Not counted in ClinVar's aggregate classification.

Dr. Peter K. Rogan Lab, Western University
No classification provided (evidence only). Condition: Malignant tumor of esophagus. Review status: no classification provided. Collection method: in vitro. Allele origin: not applicable. Functional consequence: skipped exon, retained intron. Not counted in ClinVar's aggregate classification.

Dr. Peter K. Rogan Lab, Western University
No classification provided (evidence only). Condition: Malignant tumor of esophagus. Review status: no classification provided. Collection method: in vitro. Allele origin: not applicable. Functional consequence: skipped exon, retained intron. Not counted in ClinVar's aggregate classification.

Dr. Peter K. Rogan Lab, Western University
No classification provided (evidence only). Condition: Malignant tumor of esophagus. Review status: no classification provided. Collection method: in vitro. Allele origin: not applicable. Functional consequence: skipped exon. Not counted in ClinVar's aggregate classification.

Dr. Peter K. Rogan Lab, Western University
No classification provided (evidence only). Condition: Lymphoma. Review status: no classification provided. Collection method: in vitro. Allele origin: not applicable. Functional consequence: cryptic splice site. Not counted in ClinVar's aggregate classification.

Dr. Peter K. Rogan Lab, Western University
No classification provided (evidence only). Condition: Lymphoma. Review status: no classification provided. Collection method: in vitro. Allele origin: not applicable. Functional consequence: cryptic splice site, retained intron. Not counted in ClinVar's aggregate classification.

Dr. Peter K. Rogan Lab, Western University
No classification provided (evidence only). Condition: Lymphoma. Review status: no classification provided. Collection method: in vitro. Allele origin: not applicable. Functional consequence: cryptic splice site, retained intron. Not counted in ClinVar's aggregate classification.